The following is an entry in ClinVar:

NM_006904.7(PRKDC):c.2230G>C (p.Asp744His)

Gene: PRKDC (protein kinase, DNA-activated, catalytic subunit; minus strand). Cytogenetic location: 8q11.21.
Variant type: single nucleotide variant.
Coding change: c.2230G>C on transcript NM_006904.7 (MANE Select); coding-DNA position 2230, G replaced by C.
Protein change: p.Asp744His; replaces aspartic acid 744 with histidine.
Molecular consequence: missense variant.
Genome position (GRCh38, 1-based): chr8:47,927,800, C>G on the plus strand (G>C on the coding strand, the complement: PRKDC is on the minus strand). VCF-style: chr8-47927800-C-G. GRCh37 (hg19) VCF-style: chr8-48840360-C-G.
Other names: c.2230G>C, p.Asp744His (NM_001081640.2); short protein forms D744H.
Identifiers: ClinVar variation 1384646 (VCV001384646.6), dbSNP rs35938758, ClinGen allele CA371162520.
Genomic context (GRCh38, chr8:47,927,800, plus strand): 5'-AAGAGATGGCTCTGTTCAAGACAACGCCTACCTGCAGTGCAGGAACGTAGGCTCTAACAT[C>G]GAGTTCAATGATGTTGTGTGGCAAGGACAGAAGAAAGGTCAAACAAGAGGCCAAAAGTTC-3'
Protein context (NP_008835.5, residues 734-754): LSLPHNIIEL[Asp744His]VRAYVPALQM

ClinVar aggregate classification (germline): Uncertain significance (1 of 4 stars; one submission).

Conditions:
Severe combined immunodeficiency due to DNA-PKcs deficiency. Also called: IMMUNODEFICIENCY 26 WITH NEUROLOGIC ABNORMALITIES; Immunodeficiency 26 with or without neurologic abnormalities. Identifiers: Orphanet 317425, MedGen C4014833, MONDO:0014423, OMIM 615966.

gnomAD v4.1: 1 of 1,581,546 alleles (0.000063%); highest among the groups gnomAD compares: Non-Finnish European, 0.000086%; no homozygotes.

Submission:

Labcorp Genetics (formerly Invitae), Labcorp
Classification: Uncertain significance for Severe combined immunodeficiency due to DNA-PKcs deficiency. Last evaluated: 2025-07-21. Review status: criteria provided, single submitter. Criteria: Invitae Variant Classification Sherloc (09022015). Collection method: clinical testing. Allele origin: germline.
Comment: This sequence change replaces aspartic acid, which is acidic and polar, with histidine, which is basic and polar, at codon 744 of the PRKDC protein (p.Asp744His). This variant is not present in population databases (gnomAD no frequency). This variant has not been reported in the literature in individuals affected with PRKDC-related conditions. ClinVar contains an entry for this variant (Variation ID: 1384646). Invitae Evidence Modeling of protein sequence and biophysical properties (such as structural, functional, and spatial information, amino acid conservation, physicochemical variation, residue mobility, and thermodynamic stability) indicates that this missense variant is expected to disrupt PRKDC protein function with a positive predictive value of 80%. In summary, the available evidence is currently insufficient to determine the role of this variant in disease. Therefore, it has been classified as a Variant of Uncertain Significance.